The following is an entry in ClinVar:

NM_006206.6(PDGFRA):c.1682T>A (p.Val561Asp)

Gene: PDGFRA (platelet derived growth factor receptor alpha; plus strand). Cytogenetic location: 4q12.
Variant type: single nucleotide variant.
Coding change: c.1682T>A on transcript NM_006206.6 (MANE Select); coding-DNA position 1682, T replaced by A.
Protein change: p.Val561Asp; replaces valine 561 with aspartic acid.
Molecular consequence: missense variant.
Genome position (GRCh38, 1-based): chr4:54,274,869, T>A. VCF-style: chr4-54274869-T-A. GRCh37 (hg19) VCF-style: chr4-55141036-T-A.
Other names: c.1682T>A, p.Val561Asp (NM_001347827.2, NM_001347829.2); c.1757T>A, p.Val586Asp (NM_001347828.2); c.1721T>A, p.Val574Asp (NM_001347830.2); short protein forms V561D, V574D, V586D.
Identifiers: ClinVar variation 13546 (VCV000013546.6), dbSNP rs121908586, ClinGen allele CA123203.

ClinVar aggregate classification (germline): Conflicting classifications of pathogenicity. Review status: no assertion criteria provided (0 of 4 stars). 3 submissions from 2 submitters: Pathogenic (2); Uncertain significance (1). Last evaluated 2007-09-01.
ClinVar aggregate classification (somatic clinical impact): Tier I - Strong (1 of 4 stars; one submission).
ClinVar aggregate classification (oncogenicity): Oncogenic (0 of 4 stars; one submission).

Conditions:
Polyps, multiple and recurrent inflammatory fibroid, gastrointestinal. Identifiers: MedGen C5193005, MONDO:0008285, OMIM 175510.
Gastrointestinal stromal tumor. Also called: Gastrointestinal stromal tumor, somatic; Gastrointestinal stroma tumor. Identifiers: Orphanet 44890, MedGen C0238198, MeSH D046152, MONDO:0011719, OMIM 606764, HP:0100723.
Diffuse midline glioma, H3 K27M-mutant. Identifiers: MedGen C4289688, MONDO:0957196.

Submissions (5):

Institute for Genomic Medicine (IGM) Clinical Laboratory, Nationwide Children's Hospital
Classification: Tier I - Strong for Diffuse midline glioma, H3 K27M-mutant. Assertion type: diagnostic. Clinical significance: supports diagnosis. Last evaluated: 2023-03-18. Review status: criteria provided, single submitter. Criteria: AMP/ASCO/CAP Guidelines, 2017. Collection method: clinical testing. Allele origin: somatic. Affected: yes.
Comment: Variant has Tier I (strong) clinical significance as a diagnostic inclusion criterion in diffuse midline glioma, H3 K27M-mutant, based on the following evidence: 1) Documented in one or more cancer databases (e.g., St. Jude Pecan, COSMIC, CIViC, OncoKB). 2) Appears in one or more well-established professional guidelines (e.g., World Health Organization [WHO]; National Comprehensive Cancer Network [NCCN]) as providing diagnostic, prognostic, or therapeutic information. 3) Information in the literature supports potential biologic effect of variant (PMIDs: 12949711, 22665524). 4) Diagnostic for a specific tumor type/classification based on well-powered studies with expert-level consensus (Evidence Level B; PMIDs: 24705251, 25230881, 27582545, 28966033, 29763623).

OMIM
Classification: Pathogenic for GASTROINTESTINAL STROMAL TUMOR, SOMATIC. Last evaluated: 2007-09-01. Review status: no assertion criteria provided. Collection method: literature only. Allele origin: somatic.

OMIM
Classification: Pathogenic for GIST-PLUS SYNDROME. Last evaluated: 2007-09-01. Review status: no assertion criteria provided. Collection method: literature only. Allele origin: unknown.

Department of Pathology and Laboratory Medicine, Sinai Health System
Classification: Uncertain significance. Review status: no assertion criteria provided. Collection method: clinical testing. Allele origin: unknown. Affected: yes. Observed: 2 variant alleles. Study: The Canadian Open Genetics Repository (COGR).

National Institute of Cancer Research, National Health Research Institutes
Classification: Oncogenic for Gastrointestinal stromal tumor. Review status: no assertion criteria provided. Collection method: research. Allele origin: somatic. Affected: yes. Observed: 1 variant allele.
Comment: the literature

Literature cited by the submitters: PubMed 12949711 (cited by Institute for Genomic Medicine (IGM) Clinical Laboratory, Nationwide Children's Hospital); PubMed 22665524 (cited by Institute for Genomic Medicine (IGM) Clinical Laboratory, Nationwide Children's Hospital); PubMed 24705251 (cited by Institute for Genomic Medicine (IGM) Clinical Laboratory, Nationwide Children's Hospital); PubMed 25230881 (cited by Institute for Genomic Medicine (IGM) Clinical Laboratory, Nationwide Children's Hospital); PubMed 27582545 (cited by Institute for Genomic Medicine (IGM) Clinical Laboratory, Nationwide Children's Hospital); PubMed 28966033 (cited by Institute for Genomic Medicine (IGM) Clinical Laboratory, Nationwide Children's Hospital); PubMed 29763623 (cited by Institute for Genomic Medicine (IGM) Clinical Laboratory, Nationwide Children's Hospital); PubMed 12522257 (cited by OMIM); PubMed 17566086 (cited by OMIM).